The following is an entry in ClinVar:

NM_004260.4(RECQL4):c.3014G>A (p.Arg1005Gln)

Gene: RECQL4 (RecQ like helicase 4; minus strand). Cytogenetic location: 8q24.3.
Variant type: single nucleotide variant.
Coding change: c.3014G>A on transcript NM_004260.4 (MANE Select); coding-DNA position 3014, G replaced by A.
Protein change: p.Arg1005Gln; replaces arginine 1005 with glutamine.
Molecular consequence: missense variant.
Genome position (GRCh38, 1-based): chr8:144,512,433, C>T on the plus strand (G>A on the coding strand, the complement: RECQL4 is on the minus strand). VCF-style: chr8-144512433-C-T. GRCh37 (hg19) VCF-style: chr8-145737816-C-T.
Other names: short protein forms R1005Q.
Identifiers: ClinVar variation 94891 (VCV000094891.25), dbSNP rs4251691, ClinGen allele CA147887.

ClinVar aggregate classification (germline): Benign. Review status: criteria provided, multiple submitters, no conflicts (2 of 4 stars). 15 submissions from 12 submitters: Benign (12). 3 of the submissions do not count toward it. Last evaluated 2026-02-04.

Conditions:
Rothmund-Thomson syndrome type 2 (RTS2). Identifiers: Orphanet 221016, MedGen C5203410, MONDO:0016369, OMIM 268400.
Baller-Gerold syndrome (BGS). Also called: CRANIOSYNOSTOSIS WITH RADIAL DEFECTS. Identifiers: Orphanet 1225, MedGen C0265308, MONDO:0009039, OMIM 218600.
Rapadilino syndrome. Identifiers: Orphanet 3021, MedGen C1849453, MONDO:0009955, OMIM 266280.

Allele frequency attached by ClinVar (database versions not stated): 1000 Genomes Project 0.38438; ExAC 0.46120; gnomAD exomes 0.46713 and 0.46054; TOPMed 0.36376; gnomAD 0.37794 and 0.36660; ESP Exome Variant Server 0.34191; 1000 Genomes Project 30x 0.37992.
gnomAD v4.1: 727,009 of 1,608,656 alleles (45%); highest among the groups gnomAD compares: South Asian, 56%; 170,115 homozygotes.

Submissions (15):

Labcorp Genetics (formerly Invitae), Labcorp
Classification: Benign for Baller-Gerold syndrome. Last evaluated: 2026-02-04. Review status: criteria provided, single submitter. Criteria: Invitae Variant Classification Sherloc (09022015). Collection method: clinical testing. Allele origin: germline.

Mayo Clinic Laboratories, Mayo Clinic
Classification: Benign. Last evaluated: 2025-07-29. Review status: criteria provided, single submitter. Criteria: ACMG Guidelines, 2015. Collection method: clinical testing. Allele origin: germline. Observed: 222 variant alleles.
Comment: BA1

KCCC/NGS Laboratory, Kuwait Cancer Control Center
Classification: Benign for Rapadilino syndrome. Last evaluated: 2025-02-01. Review status: criteria provided, single submitter. Criteria: ACMG Guidelines, 2015. Collection method: clinical testing. Allele origin: germline. Affected: no.

Blueprint Genetics
Classification: Benign. Last evaluated: 2024-11-27. Review status: criteria provided, single submitter. Criteria: ACMG Guidelines, 2015. Collection method: clinical testing. Allele origin: germline.

KCCC/NGS Laboratory, Kuwait Cancer Control Center
Classification: Benign for Rothmund-Thomson syndrome type 2. Last evaluated: 2023-07-07. Review status: criteria provided, single submitter. Criteria: ACMG Guidelines, 2015. Collection method: clinical testing. Allele origin: germline. Affected: yes.

Genome-Nilou Lab
Classification: Benign for Baller-Gerold syndrome. Last evaluated: 2021-11-07. Review status: criteria provided, single submitter. Criteria: ACMG Guidelines, 2015. Collection method: clinical testing. Allele origin: germline. Affected: no.

Genome-Nilou Lab
Classification: Benign for Rapadilino syndrome. Last evaluated: 2021-11-07. Review status: criteria provided, single submitter. Criteria: ACMG Guidelines, 2015. Collection method: clinical testing. Allele origin: germline. Affected: no.

Genome-Nilou Lab
Classification: Benign for Rothmund-Thomson syndrome type 2. Last evaluated: 2021-11-07. Review status: criteria provided, single submitter. Criteria: ACMG Guidelines, 2015. Collection method: clinical testing. Allele origin: germline. Affected: no.

GeneDx
Classification: Benign. Last evaluated: 2018-03-24. Review status: criteria provided, single submitter. Criteria: GeneDx Variant Classification (06012015). Collection method: clinical testing. Allele origin: germline. Affected: yes.
Comment: This variant is considered likely benign or benign based on one or more of the following criteria: it is a conservative change, it occurs at a poorly conserved position in the protein, it is predicted to be benign by multiple in silico algorithms, and/or has population frequency not consistent with disease.

Eurofins Ntd Llc (ga)
Classification: Benign. Last evaluated: 2014-05-08. Review status: criteria provided, single submitter. Criteria: EGL Classification Definitions 2015. Collection method: clinical testing. Allele origin: germline. Observed: 13 variant alleles, 9 heterozygotes, 4 homozygotes.

Breakthrough Genomics
Classification: Benign. Review status: criteria provided, single submitter. Criteria: ACMG Guidelines, 2015. Collection method: not provided. Allele origin: germline. Inheritance: Autosomal recessive inheritance. Affected: yes.

PreventionGenetics, part of Exact Sciences
Classification: Benign. Review status: criteria provided, single submitter. Criteria: ACMG Guidelines, 2015. Collection method: clinical testing. Allele origin: germline.

ITMI
No classification provided. Condition: AllHighlyPenetrant. Last evaluated: 2013-09-19. Review status: no classification provided. Collection method: reference population. Allele origin: germline. Not counted in ClinVar's aggregate classification.
Comment: Please see associated publication for description of ethnicities

Diagnostic Laboratory, Department of Genetics, University Medical Center Groningen
Classification: Benign. Review status: no assertion criteria provided. Collection method: clinical testing. Allele origin: germline. Affected: yes. Study: VKGL Data-share Consensus. Not counted in ClinVar's aggregate classification.

Joint Genome Diagnostic Labs from Nijmegen and Maastricht, Radboudumc and MUMC+
Classification: Benign. Review status: no assertion criteria provided. Collection method: clinical testing. Allele origin: germline. Affected: yes. Study: VKGL Data-share Consensus. Not counted in ClinVar's aggregate classification.

Literature cited by the submitters: PubMed 24728327 (cited by ITMI).